The following is an entry in ClinVar:

NM_000038.6(APC):c.1549-4A>G

Gene: APC (APC regulator of Wnt signaling pathway; plus strand). Cytogenetic location: 5q22.2.
Variant type: single nucleotide variant.
Coding change: c.1549-4A>G on transcript NM_000038.6 (MANE Select); 4 bases into the intron before coding-DNA position 1549, A replaced by G.
Molecular consequence: intron variant.
Genome position (GRCh38, 1-based): chr5:112,827,925, A>G. VCF-style: chr5-112827925-A-G. GRCh37 (hg19) VCF-style: chr5-112163622-A-G.
Other names: c.1549-4A>G (NM_001354895.2, NM_001127510.3); c.1579-4A>G (NM_001354897.2); c.1171-4A>G (NM_001354904.2); c.700-4A>G (NM_001354906.2); c.1603-4A>G (NM_001354896.2); c.1246-4A>G (NM_001354903.2); c.1465-4A>G (NM_001354899.2); c.1426-4A>G (NM_001354900.2); and 5 more.
Identifiers: ClinVar variation 487038 (VCV000487038.10), dbSNP rs1554081872, ClinGen allele CA658655941.

ClinVar aggregate classification (germline): Likely benign. Review status: criteria provided, multiple submitters, no conflicts (2 of 4 stars). 4 submissions from 4 submitters: Likely benign (4). Last evaluated 2024-12-23.

Conditions:
Hereditary cancer-predisposing syndrome. Also called: Tumor predisposition; Hereditary Cancer Syndrome; Hereditary neoplastic syndrome; Neoplastic Syndromes, Hereditary. Identifiers: Orphanet 140162, MedGen C0027672, MeSH D009386, MONDO:0015356.
Familial adenomatous polyposis 1 (FAP1). Also called: FAMILIAL ADENOMATOUS POLYPOSIS 1, ATTENUATED; POLYPOSIS, ADENOMATOUS INTESTINAL. Identifiers: MedGen C2713442, MONDO:0021056, OMIM 175100. Disease mechanism: loss of function.

Allele frequency attached by ClinVar (database versions not stated): gnomAD exomes below 0.00001.
gnomAD v4.1: 1 of 1,612,472 alleles (0.000062%); highest among the groups gnomAD compares: Admixed American, 0.0017%; no homozygotes.

Submissions (4):

Color Diagnostics, LLC DBA Color Health
Classification: Likely benign for Hereditary cancer-predisposing syndrome. Last evaluated: 2024-12-23. Review status: criteria provided, single submitter. Criteria: ACMG Guidelines, 2015. Collection method: clinical testing. Allele origin: germline.

Labcorp Genetics (formerly Invitae), Labcorp
Classification: Likely benign for Familial adenomatous polyposis 1. Last evaluated: 2024-10-20. Review status: criteria provided, single submitter. Criteria: Invitae Variant Classification Sherloc (09022015). Collection method: clinical testing. Allele origin: germline.

Myriad Genetics, Inc.
Classification: Likely benign for Familial adenomatous polyposis 1. Last evaluated: 2024-03-07. Review status: criteria provided, single submitter. Criteria: Myriad Autosomal Dominant, Autosomal Recessive and X-Linked Classification Criteria (2023). Collection method: clinical testing. Allele origin: unknown.
Comment: This variant is considered likely benign. This variant is intronic and is not expected to impact mRNA splicing.

Ambry Genetics
Classification: Likely benign for Hereditary cancer-predisposing syndrome. Last evaluated: 2023-05-10. Review status: criteria provided, single submitter. Criteria: Ambry Variant Classification Scheme 2023. Collection method: clinical testing. Allele origin: germline.